The following is an entry in ClinVar:

ClinVar aggregate classification (germline): Benign. Review status: criteria provided, multiple submitters, no conflicts (2 of 4 stars). 2 submissions from 2 submitters: Benign (2). Last evaluated 2018-06-14.

Allele frequency attached by ClinVar (database versions not stated): gnomAD exomes 0.99999; 1000 Genomes Project 1.00000; 1000 Genomes Project 30x 1.00000; gnomAD 1.00000; TOPMed 1.00000.
gnomAD v4.1: 1,577,634 of 1,577,648 alleles (100%); highest among the groups gnomAD compares: Middle Eastern, 100%; 788,810 homozygotes.

Submissions (2):

GeneDx
Classification: Benign. Last evaluated: 2018-06-14. Review status: criteria provided, single submitter. Criteria: GeneDx Variant Classification (06012015). Collection method: clinical testing. Allele origin: germline. Affected: yes.
Comment: This variant is considered likely benign or benign based on one or more of the following criteria: it is a conservative change, it occurs at a poorly conserved position in the protein, it is predicted to be benign by multiple in silico algorithms, and/or has population frequency not consistent with disease.

Breakthrough Genomics
Classification: Benign. Review status: criteria provided, single submitter. Criteria: ACMG Guidelines, 2015. Collection method: not provided. Allele origin: germline. Inheritance: Autosomal recessive inheritance. Affected: yes.

NM_000530.8(MPZ):c.448+64T>C

Gene: MPZ (myelin protein zero; minus strand). Cytogenetic location: 1q23.3.
Variant type: single nucleotide variant.
Coding change: c.448+64T>C on transcript NM_000530.8 (MANE Select); 64 bases into the intron after coding-DNA position 448, T replaced by C.
Molecular consequence: intron variant.
Genome position (GRCh38, 1-based): chr1:161,306,644, A>G on the plus strand (T>C on the coding strand, the complement: MPZ is on the minus strand). VCF-style: chr1-161306644-A-G. GRCh37 (hg19) VCF-style: chr1-161276434-A-G.
Other names: c.448+64T>C (NM_001315491.2).
Identifiers: ClinVar variation 683189 (VCV000683189.2), dbSNP rs6674383, ClinGen allele CA31668547.